The following is an entry in ClinVar:

NM_001854.4(COL11A1):c.489-3T>C

Gene: COL11A1 (collagen type XI alpha 1 chain; minus strand). Cytogenetic location: 1p21.1.
Variant type: single nucleotide variant.
Coding change: c.489-3T>C on transcript NM_001854.4 (MANE Select); 3 bases into the intron before coding-DNA position 489, T replaced by C.
Molecular consequence: intron variant.
Genome position (GRCh38, 1-based): chr1:103,074,783, A>G on the plus strand (T>C on the coding strand, the complement: COL11A1 is on the minus strand). VCF-style: chr1-103074783-A-G. GRCh37 (hg19) VCF-style: chr1-103540339-A-G.
Other names: c.489-3T>C (NM_001190709.2, NM_080629.3, NM_080630.4).
Identifiers: ClinVar variation 2067445 (VCV002067445.4), dbSNP rs2526147175, ClinGen allele CA2580060741.

ClinVar aggregate classification (germline): Uncertain significance (1 of 4 stars; one submission).

Allele frequency attached by ClinVar (database versions not stated): gnomAD exomes below 0.00001.
gnomAD v4.1: 2 of 1,612,908 alleles (0.00012%); highest among the groups gnomAD compares: Non-Finnish European, 0.00017%; no homozygotes.

Submission:

Labcorp Genetics (formerly Invitae), Labcorp
Classification: Uncertain significance. Last evaluated: 2023-12-22. Review status: criteria provided, single submitter. Criteria: Invitae Variant Classification Sherloc (09022015). Collection method: clinical testing. Allele origin: germline.
Comment: This sequence change falls in intron 3 of the COL11A1 gene. It does not directly change the encoded amino acid sequence of the COL11A1 protein. It affects a nucleotide within the consensus splice site. This variant is not present in population databases (gnomAD no frequency). This variant has not been reported in the literature in individuals affected with COL11A1-related conditions. ClinVar contains an entry for this variant (Variation ID: 2067445). Variants that disrupt the consensus splice site are a relatively common cause of aberrant splicing (PMID: 17576681, 9536098). Algorithms developed to predict the effect of sequence changes on RNA splicing suggest that this variant is not likely to affect RNA splicing. In summary, the available evidence is currently insufficient to determine the role of this variant in disease. Therefore, it has been classified as a Variant of Uncertain Significance.

Literature cited by the submitters: PubMed 17576681; PubMed 9536098.